The following is an entry in ClinVar:

NM_198834.3(ACACA):c.3558T>G (p.Ala1186=)

Gene: ACACA (acetyl-CoA carboxylase alpha; minus strand). Cytogenetic location: 17q12.
Variant type: single nucleotide variant.
Coding change: c.3558T>G on transcript NM_198834.3 (MANE Select); coding-DNA position 3558, T replaced by G.
Protein change: p.Ala1186=; no amino-acid change (alanine 1186 retained).
Molecular consequence: synonymous variant.
Genome position (GRCh38, 1-based): chr17:37,223,518, A>C on the plus strand (T>G on the coding strand, the complement: ACACA is on the minus strand). VCF-style: chr17-37223518-A-C. GRCh37 (hg19) VCF-style: chr17-35580439-A-C.
Other names: c.3558T>G (NM_198834.2); c.3447T>G, p.Ala1149= (NM_198836.3, NM_198839.3); c.3273T>G, p.Ala1091= (NM_198837.2); c.3213T>G, p.Ala1071= (NM_198838.2).
Identifiers: ClinVar variation 3021287 (VCV003021287.5), dbSNP rs149049072, ClinGen allele CA8515306.

ClinVar aggregate classification (germline): Likely benign. Review status: criteria provided, single submitter (1 of 4 stars). 2 submissions from 2 submitters: Likely benign (1). 1 of the submissions does not count toward it. Last evaluated 2025-10-06.

Conditions:
ACACA-related disorder. Also called: ACACA-related condition.

Allele frequency attached by ClinVar (database versions not stated): 1000 Genomes Project 30x 0.00016; ExAC 0.00027; gnomAD 0.00044; ESP Exome Variant Server 0.00069; 1000 Genomes Project 0.00020; TOPMed 0.00044.
gnomAD v4.1: 999 of 1,603,578 alleles (0.062%); highest among the groups gnomAD compares: Non-Finnish European, 0.079%; no homozygotes.

Submissions (2):

Labcorp Genetics (formerly Invitae), Labcorp
Classification: Likely benign. Last evaluated: 2025-10-06. Review status: criteria provided, single submitter. Criteria: Invitae Variant Classification Sherloc (09022015). Collection method: clinical testing. Allele origin: germline.

PreventionGenetics, part of Exact Sciences
Classification: Likely benign for ACACA-related condition. Last evaluated: 2019-06-06. Review status: no assertion criteria provided. Collection method: clinical testing. Allele origin: germline. Not counted in ClinVar's aggregate classification.
Comment: This variant is classified as likely benign based on ACMG/AMP sequence variant interpretation guidelines (Richards et al. 2015 PMID: 25741868, with internal and published modifications).